The following is an entry in ClinVar:

NM_000512.5(GALNS):c.47T>A (p.Val16Glu)

Genes: GALNS (galactosamine (N-acetyl)-6-sulfatase; minus strand), TRAPPC2L (trafficking protein particle complex subunit 2L; plus strand), LOC130059762 (ATAC-STARR-seq lymphoblastoid silent region 7883; plus strand). Cytogenetic location: 16q24.3.
Variant type: single nucleotide variant.
Coding change: c.47T>A on transcript NM_000512.5 (MANE Select); coding-DNA position 47, T replaced by A.
Protein change: p.Val16Glu; replaces valine 16 with glutamic acid.
Molecular consequence: missense variant. On other transcripts: 5 prime UTR variant (2).
Genome position (GRCh38, 1-based): chr16:88,856,831, A>T on the plus strand (T>A on the coding strand, the complement: GALNS is on the minus strand). VCF-style: chr16-88856831-A-T. GRCh37 (hg19) VCF-style: chr16-88923239-A-T.
Other names: c.-385T>A (NM_001323543.2); c.-106T>A (NM_001323544.2); short protein forms V16E.
Identifiers: ClinVar variation 202175 (VCV000202175.5), dbSNP rs794729202, ClinGen allele CA275466.

ClinVar aggregate classification (germline): Uncertain significance. Review status: criteria provided, single submitter (1 of 4 stars). 2 submissions from 2 submitters: Uncertain significance (1). 1 of the submissions does not count toward it. Last evaluated 2021-02-01.

Conditions:
Mucopolysaccharidosis, MPS-IV-A (MPS4A). Also called: Morquio syndrome A, mild; MORQUIO SYNDROME A; Mucopolysaccharidosis Type IVA; MPS IVA; Mucopolysaccharidosis type IV A; mucopolysaccharidosis type 4A. Identifiers: Orphanet 309297, Orphanet 582, MedGen C0086651, MONDO:0009659, OMIM 253000.

Submissions (2):

Laboratory of Diagnosis and Therapy of Lysosomal Disorders, University of Padova
Classification: Uncertain significance for Mucopolysaccharidosis, MPS-IV-A. Last evaluated: 2021-02-01. Review status: criteria provided, single submitter. Criteria: ACMG Guidelines, 2015. Collection method: curation. Allele origin: germline. Affected: yes.
Comment: In vivo functional studies supportive of a damaging effect on the gene product (low to null enzymatic activity in homozygotes; PS3_supporting); absent from gnomAD v2.1.1 (PM2_moderate); multiple lines of computational evidence support a deleterious effect on the gene (PP3_supporting)

Mendelics
Classification: Likely pathogenic for Mucopolysaccharidosis, MPS-IV-A. Last evaluated: 2013-02-26. Review status: no assertion criteria provided. Collection method: clinical testing. Allele origin: unknown. Affected: yes. Not counted in ClinVar's aggregate classification.

Literature cited by the submitters: PubMed 24726177 (cited by Laboratory of Diagnosis and Therapy of Lysosomal Disorders, University of Padova); PubMed 34387910 (cited by Laboratory of Diagnosis and Therapy of Lysosomal Disorders, University of Padova); PubMed 9375852 (cited by Mendelics); PubMed 16287098 (cited by Mendelics).